The following is an entry in ClinVar:

ClinVar aggregate classification (germline): Uncertain significance (1 of 4 stars; one submission).

Conditions:
Inborn genetic diseases. Identifiers: MedGen C0950123, MeSH D030342.

Submission:

Ambry Genetics
Classification: Uncertain significance for Inborn genetic diseases. Last evaluated: 2026-03-19. Review status: criteria provided, single submitter. Criteria: Ambry Variant Classification Scheme 2023. Collection method: clinical testing. Allele origin: germline.
Comment: The p.I475M variant (also known as c.1425C>G), located in coding exon 9 of the ERCC6L2 gene, results from a C to G substitution at nucleotide position 1425. The isoleucine at codon 475 is replaced by methionine, an amino acid with highly similar properties. This amino acid position is conserved. In addition, this alteration is predicted to be tolerated by in silico analysis. Based on the available evidence, the clinical significance of this variant remains unclear.

NM_020207.7(ERCC6L2):c.1425C>G (p.Ile475Met)

Gene: ERCC6L2 (ERCC excision repair 6 like 2; plus strand). Cytogenetic location: 9q22.32.
Variant type: single nucleotide variant.
Coding change: c.1425C>G on transcript NM_020207.7 (MANE Select); coding-DNA position 1425, C replaced by G.
Protein change: p.Ile475Met; replaces isoleucine 475 with methionine.
Molecular consequence: missense variant. On other transcripts: non-coding transcript variant (1).
Genome position (GRCh38, 1-based): chr9:95,923,271, C>G. VCF-style: chr9-95923271-C-G. GRCh37 (hg19) VCF-style: chr9-98685553-C-G.
Other names: c.1425C>G, p.Ile475Met (NM_001010895.4, NM_001375291.1, NM_001375292.1 and 2 more transcripts); short protein forms I475M.
Identifiers: ClinVar variation 4870569 (VCV004870569.1).